The following is an entry in ClinVar:

NM_014000.3(VCL):c.768T>C (p.Asp256=)

Gene: VCL (vinculin; plus strand). Cytogenetic location: 10q22.2.
Variant type: single nucleotide variant.
Coding change: c.768T>C on transcript NM_014000.3 (MANE Select); coding-DNA position 768, T replaced by C.
Protein change: p.Asp256=; no amino-acid change (aspartic acid 256 retained).
Molecular consequence: synonymous variant.
Genome position (GRCh38, 1-based): chr10:74,074,888, T>C. VCF-style: chr10-74074888-T-C. GRCh37 (hg19) VCF-style: chr10-75834646-T-C.
Other names: p.D256D:GAT>GAC; p.Asp256=; c.768T>C, p.Asp256= (NM_003373.4).
Identifiers: ClinVar variation 36898 (VCV000036898.39), dbSNP rs56413529, ClinGen allele CA136808.
Genomic context (GRCh38, chr10:74,074,888, plus strand): 5'-AATGAGTGCTGAAATTAATGAGATAATTCGTGTGTTACAACTCACCTCTTGGGATGAAGA[T>C]GCCTGGGCCAGCAAGGTACGTGTTCTTAGTGGAGAAATAAGCAAAATCCCCAACTCTCCC-3'
Protein context (NP_054706.1, residues 246-266): RVLQLTSWDE[Asp256=]AWASKDTEAM

ClinVar aggregate classification (germline): Benign/Likely benign. Review status: criteria provided, multiple submitters, no conflicts (2 of 4 stars). 15 submissions from 15 submitters: Benign (11); Likely benign (1). 3 of the submissions do not count toward it. Last evaluated 2026-02-04.

Conditions:
Cardiovascular phenotype. Identifiers: MedGen CN230736.
Dilated cardiomyopathy 1W (CMD1W). Identifiers: Orphanet 154, MedGen C1969639, MONDO:0012667, OMIM 611407.
Hypertrophic cardiomyopathy 15. Identifiers: MedGen C2750459, MONDO:0013200, OMIM 613255.
Cardiomyopathy (CMYO). Also called: Cardiomyopathies. Identifiers: Orphanet 167848, MedGen C0878544, MONDO:0004994, HP:0001638. Inheritance: Various modes of inheritance.

Allele frequency attached by ClinVar (database versions not stated): gnomAD exomes 0.01697 and 0.00624; TOPMed 0.07071; ExAC 0.02066; gnomAD 0.06776 and 0.06345; 1000 Genomes Project 30x 0.07776; 1000 Genomes Project 0.07248; ESP Exome Variant Server 0.07412.
gnomAD v4.1: 19,200 of 1,614,064 alleles (1.2%); highest among the groups gnomAD compares: African/African-American, 22%; 1,846 homozygotes.

Submissions (15):

Labcorp Genetics (formerly Invitae), Labcorp
Classification: Benign for Dilated cardiomyopathy 1W. Last evaluated: 2026-02-04. Review status: criteria provided, single submitter. Criteria: Invitae Variant Classification Sherloc (09022015). Collection method: clinical testing. Allele origin: germline.

ARUP Laboratories, Molecular Genetics and Genomics, ARUP Laboratories
Classification: Benign. Last evaluated: 2025-07-08. Review status: criteria provided, single submitter. Criteria: ARUP Molecular Germline Variant Investigation Process 2024. Collection method: clinical testing. Allele origin: germline.

Molecular Diagnostic Laboratory for Inherited Cardiovascular Disease, Montreal Heart Institute
Classification: Benign. Last evaluated: 2025-04-09. Review status: criteria provided, single submitter. Criteria: ACMG Guidelines, 2015. Collection method: clinical testing. Allele origin: germline. Affected: no.

Fulgent Genetics
Classification: Likely benign for Dilated cardiomyopathy 1W; Hypertrophic cardiomyopathy 15. Last evaluated: 2022-05-02. Review status: criteria provided, single submitter. Criteria: ACMG Guidelines, 2015. Collection method: clinical testing. Allele origin: unknown.

Illumina Laboratory Services, Illumina
Classification: Benign for Dilated cardiomyopathy 1W. Last evaluated: 2018-01-12. Review status: criteria provided, single submitter. Criteria: ICSL Variant Classification Criteria 13 December 2019. Collection method: clinical testing. Allele origin: germline.
Comment: This variant was observed in the ICSL laboratory as part of a predisposition screen in an ostensibly healthy population. It had not been previously curated by ICSL or reported in the Human Gene Mutation Database (HGMD: prior to June 1st, 2018), and was therefore a candidate for classification through an automated scoring system. Utilizing variant allele frequency, disease prevalence and penetrance estimates, and inheritance mode, an automated score was calculated to assess if this variant is too frequent to cause the disease. Based on the score and internal cut-off values, a variant classified as benign is not then subjected to further curation. The score for this variant resulted in a classification of benign for this disease.

Ambry Genetics
Classification: Benign for Cardiovascular phenotype. Last evaluated: 2015-06-25. Review status: criteria provided, single submitter. Criteria: Ambry Variant Classification Scheme 2023. Collection method: clinical testing. Allele origin: germline.

Mayo Clinic Laboratories, Mayo Clinic
Classification: Benign. Last evaluated: 2014-03-07. Review status: criteria provided, single submitter. Criteria: ACMG Guidelines, 2015. Collection method: clinical testing. Allele origin: germline. Observed: 116 variant alleles.

GeneDx
Classification: Benign. Last evaluated: 2013-07-05. Review status: criteria provided, single submitter. Criteria: GeneDx Variant Classification (06012015). Collection method: clinical testing. Allele origin: germline. Affected: yes.
Comment: This variant is considered likely benign or benign based on one or more of the following criteria: it is a conservative change, it occurs at a poorly conserved position in the protein, it is predicted to be benign by multiple in silico algorithms, and/or has population frequency not consistent with disease.

Women's Health and Genetics/Laboratory Corporation of America, LabCorp
Classification: Benign for Cardiomyopathy. Last evaluated: 2011-08-18. Review status: criteria provided, single submitter. Criteria: LabCorp Variant Classification Summary - May 2015. Collection method: curation. Allele origin: germline. Inheritance: autosomal unknown. Affected: yes.
ClinVar note: Converted during submission from benign to Benign.

Laboratory for Molecular Medicine, Mass General Brigham Personalized Medicine
Classification: Benign. Last evaluated: 2010-12-17. Review status: criteria provided, single submitter. Criteria: LMM Criteria. Collection method: clinical testing. Allele origin: germline. Observed: 156 variant alleles.

Breakthrough Genomics
Classification: Benign. Review status: criteria provided, single submitter. Criteria: ACMG Guidelines, 2015. Collection method: not provided. Allele origin: germline. Inheritance: Autosomal dominant inheritance. Affected: yes.

PreventionGenetics, part of Exact Sciences
Classification: Benign. Review status: criteria provided, single submitter. Criteria: ACMG Guidelines, 2015. Collection method: clinical testing. Allele origin: germline.

Clinical Genetics DNA and cytogenetics Diagnostics Lab, Erasmus MC, Erasmus Medical Center
Classification: Benign. Review status: no assertion criteria provided. Collection method: clinical testing. Allele origin: germline. Affected: yes. Study: VKGL Data-share Consensus. Not counted in ClinVar's aggregate classification.

Clinical Genetics, Academic Medical Center
Classification: Benign. Review status: no assertion criteria provided. Collection method: clinical testing. Allele origin: germline. Affected: yes. Study: VKGL Data-share Consensus. Not counted in ClinVar's aggregate classification.

Joint Genome Diagnostic Labs from Nijmegen and Maastricht, Radboudumc and MUMC+
Classification: Benign. Review status: no assertion criteria provided. Collection method: clinical testing. Allele origin: germline. Affected: yes. Study: VKGL Data-share Consensus. Not counted in ClinVar's aggregate classification.